The following is an entry in ClinVar:

ClinVar aggregate classification (germline): Uncertain significance. Review status: criteria provided, multiple submitters, no conflicts (2 of 4 stars). 2 submissions from 2 submitters: Uncertain significance (2). Last evaluated 2022-01-19.

Allele frequency attached by ClinVar (database versions not stated): gnomAD 0.00001; gnomAD exomes 0.00001 and 0.00003; ExAC 0.00002; TOPMed 0.00002.
gnomAD v4.1: 46 of 1,612,038 alleles (0.0029%); highest among the groups gnomAD compares: Admixed American, 0.0033%; no homozygotes.

Submissions (2):

Blueprint Genetics
Classification: Uncertain significance. Last evaluated: 2022-01-19. Review status: criteria provided, single submitter. Criteria: ACMG Guidelines, 2015. Collection method: clinical testing. Allele origin: germline.

Labcorp Genetics (formerly Invitae), Labcorp
Classification: Uncertain significance. Last evaluated: 2020-03-07. Review status: criteria provided, single submitter. Criteria: Invitae Variant Classification Sherloc (09022015). Collection method: clinical testing. Allele origin: germline.
Comment: This sequence change falls in intron 3 of the TTLL5 gene. It does not directly change the encoded amino acid sequence of the TTLL5 protein, but it affects a nucleotide within the consensus splice site of the intron. This variant is present in population databases (rs762077466, ExAC 0.003%). This variant has not been reported in the literature in individuals with TTLL5-related conditions. Nucleotide substitutions within the consensus splice site are a relatively common cause of aberrant splicing (PMID: 17576681, 9536098). Algorithms developed to predict the effect of sequence changes on RNA splicing suggest that this variant may disrupt the consensus splice site, but this prediction has not been confirmed by published transcriptional studies. In summary, the available evidence is currently insufficient to determine the role of this variant in disease. Therefore, it has been classified as a Variant of Uncertain Significance.

Literature cited by the submitters: PubMed 17576681 (cited by Labcorp Genetics (formerly Invitae), Labcorp); PubMed 9536098 (cited by Labcorp Genetics (formerly Invitae), Labcorp).

NM_015072.5(TTLL5):c.181+5G>A

Gene: TTLL5 (tubulin tyrosine ligase like 5; plus strand). Cytogenetic location: 14q24.3.
Variant type: single nucleotide variant.
Coding change: c.181+5G>A on transcript NM_015072.5 (MANE Select); 5 bases into the intron after coding-DNA position 181, G replaced by A.
Molecular consequence: intron variant.
Genome position (GRCh38, 1-based): chr14:75,669,527, G>A. VCF-style: chr14-75669527-G-A. GRCh37 (hg19) VCF-style: chr14-76135870-G-A.
Identifiers: ClinVar variation 953711 (VCV000953711.6), dbSNP rs762077466, ClinGen allele CA7278824.